The following is an entry in ClinVar:

NM_153717.3(EVC):c.1603G>A (p.Val535Met)

Gene: EVC (EvC ciliary complex subunit 1; plus strand). Cytogenetic location: 4p16.2.
Variant type: single nucleotide variant.
Coding change: c.1603G>A on transcript NM_153717.3 (MANE Select); coding-DNA position 1603, G replaced by A.
Protein change: p.Val535Met; replaces valine 535 with methionine.
Molecular consequence: missense variant.
Genome position (GRCh38, 1-based): chr4:5,783,591, G>A. VCF-style: chr4-5783591-G-A. GRCh37 (hg19) VCF-style: chr4-5785318-G-A.
Other names: c.1603G>A, p.Val535Met (NM_001306090.2); short protein forms V535M.
Identifiers: ClinVar variation 572318 (VCV000572318.7), dbSNP rs753720935, ClinGen allele CA2836198.

ClinVar aggregate classification (germline): Uncertain significance. Review status: criteria provided, single submitter (1 of 4 stars). 2 submissions from 2 submitters: Uncertain significance (1). 1 of the submissions does not count toward it. Last evaluated 2024-10-22.

Conditions:
Ellis-van Creveld syndrome (EVC). Also called: Chondroectodermal dysplasia; EVC-Related Ellis-van Creveld Syndrome; EVC2-Related Ellis-van Creveld Syndrome; MESOECTODERMAL DYSPLASIA. Identifiers: Orphanet 289, MedGen C0013903, MONDO:0009162, OMIM 225500.
Curry-Hall syndrome (WAD). Also called: WEYERS ACRODENTAL DYSOSTOSIS. Identifiers: Orphanet 952, MedGen C0457013, MONDO:0008673, OMIM 193530.

gnomAD v4.1: 39 of 1,614,042 alleles (0.0024%); highest among the groups gnomAD compares: East Asian, 0.018%; no homozygotes.

Submissions (2):

Labcorp Genetics (formerly Invitae), Labcorp
Classification: Uncertain significance for Curry-Hall syndrome; Ellis-van Creveld syndrome. Last evaluated: 2024-10-22. Review status: criteria provided, single submitter. Criteria: Invitae Variant Classification Sherloc (09022015). Collection method: clinical testing. Allele origin: germline.
Comment: This sequence change replaces valine, which is neutral and non-polar, with methionine, which is neutral and non-polar, at codon 535 of the EVC protein (p.Val535Met). The frequency data for this variant in the population databases is considered unreliable, as metrics indicate poor data quality at this position in the gnomAD database. This variant has not been reported in the literature in individuals affected with EVC-related conditions. ClinVar contains an entry for this variant (Variation ID: 572318). Invitae Evidence Modeling of protein sequence and biophysical properties (such as structural, functional, and spatial information, amino acid conservation, physicochemical variation, residue mobility, and thermodynamic stability) indicates that this missense variant is not expected to disrupt EVC protein function with a negative predictive value of 95%. In summary, the available evidence is currently insufficient to determine the role of this variant in disease. Therefore, it has been classified as a Variant of Uncertain Significance.

Natera, Inc.
Classification: Uncertain significance for Ellis-van Creveld syndrome. Last evaluated: 2021-01-19. Review status: no assertion criteria provided. Collection method: clinical testing. Allele origin: germline. Not counted in ClinVar's aggregate classification.